The following is an entry in ClinVar:

ClinVar aggregate classification (germline): Uncertain significance (1 of 4 stars; one submission).

Conditions:
Dilated cardiomyopathy 1G (CMD1G). Identifiers: Orphanet 154, MedGen C1858763, MONDO:0011400, OMIM 604145.
Autosomal recessive limb-girdle muscular dystrophy type 2J (LGMDR10). Also called: Limb-girdle muscular dystrophy, type 2J; MUSCULAR DYSTROPHY, LIMB-GIRDLE, AUTOSOMAL RECESSIVE 10. Identifiers: Orphanet 140922, MedGen C1837342, MONDO:0012127, OMIM 608807.

Submission:

Labcorp Genetics (formerly Invitae), Labcorp
Classification: Uncertain significance for Dilated cardiomyopathy 1G; Autosomal recessive limb-girdle muscular dystrophy type 2J. Last evaluated: 2023-09-21. Review status: criteria provided, single submitter. Criteria: Invitae Variant Classification Sherloc (09022015). Collection method: clinical testing. Allele origin: germline.
Comment: This variant is located in the M band of TTN (PMID: 25589632). Variants in this region may be relevant for neuromuscular disorders, but have not been definitively shown to cause cardiomyopathy (PMID: 23975875). In summary, the available evidence is currently insufficient to determine the role of this variant in disease. Therefore, it has been classified as a Variant of Uncertain Significance. This variant has not been reported in the literature in individuals affected with TTN-related conditions. Experimental studies and prediction algorithms are not available or were not evaluated, and the functional significance of this variant is currently unknown. This variant is not present in population databases (gnomAD no frequency). This sequence change replaces arginine, which is basic and polar, with threonine, which is neutral and polar, at codon 34675 of the TTN protein (p.Arg34675Thr).

Literature cited by the submitters: PubMed 25589632; PubMed 23975875.

NM_001267550.2(TTN):c.104024G>C (p.Arg34675Thr)

Genes: TTN (titin; minus strand), TTN-AS1 (TTN antisense RNA 1; plus strand). Cytogenetic location: 2q31.2.
Variant type: single nucleotide variant.
Coding change: c.104024G>C on transcript NM_001267550.2 (MANE Select); coding-DNA position 104024, G replaced by C.
Protein change: p.Arg34675Thr; replaces arginine 34675 with threonine.
Molecular consequence: missense variant.
Genome position (GRCh38, 1-based): chr2:178,532,591, C>G on the plus strand (G>C on the coding strand, the complement: TTN is on the minus strand). VCF-style: chr2-178532591-C-G. GRCh37 (hg19) VCF-style: chr2-179397318-C-G.
Other names: c.99101G>C, p.Arg33034Thr (NM_001256850.1); c.76829G>C, p.Arg25610Thr (NM_003319.4); c.96320G>C, p.Arg32107Thr (NM_133378.4); c.77204G>C, p.Arg25735Thr (NM_133432.3); c.77405G>C, p.Arg25802Thr (NM_133437.4); short protein forms R25610T, R25802T, R33034T, R34675T, R25735T, R32107T.
Identifiers: ClinVar variation 2952111 (VCV002952111.3), dbSNP rs765125364, ClinGen allele CA349412724.